The following is an entry in ClinVar:

ClinVar aggregate classification (germline): Uncertain significance (1 of 4 stars; one submission).

Submission:

Ambry Genetics
Classification: Uncertain significance. Last evaluated: 2025-03-29. Review status: criteria provided, single submitter. Criteria: Ambry Variant Classification Scheme 2023. Collection method: clinical testing. Allele origin: germline.
Comment: The p.G32E variant (also known as c.95G>A), located in coding exon 1 of the MC1R gene, results from a G to A substitution at nucleotide position 95. The glycine at codon 32 is replaced by glutamic acid, an amino acid with similar properties. This amino acid position is conserved. In addition, this alteration is predicted to be tolerated by in silico analysis. Based on the available evidence, the clinical significance of this variant remains unclear.

NM_002386.4(MC1R):c.95G>A (p.Gly32Glu)

Gene: MC1R (melanocortin 1 receptor; plus strand). Cytogenetic location: 16q24.3.
Variant type: single nucleotide variant.
Coding change: c.95G>A on transcript NM_002386.4 (MANE Select); coding-DNA position 95, G replaced by A.
Protein change: p.Gly32Glu; replaces glycine 32 with glutamic acid.
Molecular consequence: missense variant.
Genome position (GRCh38, 1-based): chr16:89,919,353, G>A. VCF-style: chr16-89919353-G-A. GRCh37 (hg19) VCF-style: chr16-89985761-G-A.
Other names: short protein forms G32E.
Identifiers: ClinVar variation 4052401 (VCV004052401.1).
Genomic context (GRCh38, chr16:89,919,353, plus strand): 5'-GCTCCCTCAACTCCACCCCCACAGCCATCCCCCAGCTGGGGCTGGCTGCCAACCAGACAG[G>A]AGCCCGGTGCCTGGAGGTGTCCATCTCTGACGGGCTCTTCCTCAGCCTGGGGCTGGTGAG-3'
Protein context (NP_002377.4, residues 22-42): PQLGLAANQT[Gly32Glu]ARCLEVSISD